The following is an entry in ClinVar:

ClinVar aggregate classification (germline): Uncertain significance (1 of 4 stars; one submission).

Conditions:
Joubert syndrome. Also called: CEREBELLOPARENCHYMAL DISORDER IV; JOUBERT-BOLTSHAUSER SYNDROME; Familial aplasia of the vermis. Identifiers: Orphanet 475, MedGen C5979921, MONDO:0018772.
Meckel-Gruber syndrome. Also called: DYSENCEPHALIA SPLANCHNOCYSTICA; GRUBER SYNDROME; Dysencephalia splachnocystica. Identifiers: Orphanet 564, MedGen C0265215, MONDO:0018921.
Nephronophthisis. Also called: Juvenile Nephronophthisis. Identifiers: Orphanet 655, MedGen C0687120, MONDO:0019005, HP:0000090.

gnomAD v4.1: 2 of 1,290,556 alleles (0.00015%); highest among the groups gnomAD compares: Non-Finnish European, 0.0002%; no homozygotes.

Submission:

Labcorp Genetics (formerly Invitae), Labcorp
Classification: Uncertain significance for Joubert syndrome; Meckel-Gruber syndrome; Nephronophthisis. Last evaluated: 2022-03-20. Review status: criteria provided, single submitter. Criteria: Invitae Variant Classification Sherloc (09022015). Collection method: clinical testing. Allele origin: germline.
Comment: This sequence change replaces glutamine, which is neutral and polar, with lysine, which is basic and polar, at codon 373 of the CEP290 protein (p.Gln373Lys). This variant is not present in population databases (gnomAD no frequency). This variant has not been reported in the literature in individuals affected with CEP290-related conditions. Algorithms developed to predict the effect of missense changes on protein structure and function (SIFT, PolyPhen-2, Align-GVGD) all suggest that this variant is likely to be tolerated. In summary, the available evidence is currently insufficient to determine the role of this variant in disease. Therefore, it has been classified as a Variant of Uncertain Significance.

NM_025114.4(CEP290):c.1117C>A (p.Gln373Lys)

Gene: CEP290 (centrosomal protein 290; minus strand). Cytogenetic location: 12q21.32.
Variant type: single nucleotide variant.
Coding change: c.1117C>A on transcript NM_025114.4 (MANE Select); coding-DNA position 1117, C replaced by A.
Protein change: p.Gln373Lys; replaces glutamine 373 with lysine.
Molecular consequence: missense variant.
Genome position (GRCh38, 1-based): chr12:88,125,318, G>T on the plus strand (C>A on the coding strand, the complement: CEP290 is on the minus strand). VCF-style: chr12-88125318-G-T. GRCh37 (hg19) VCF-style: chr12-88519095-G-T.
Other names: short protein forms Q373K.
Identifiers: ClinVar variation 1941925 (VCV001941925.2), dbSNP rs2501275835, ClinGen allele CA385981368.